The following is an entry in ClinVar:

NM_004519.4(KCNQ3):c.*7130C>T

Gene: KCNQ3 (potassium voltage-gated channel subfamily Q member 3; minus strand). Cytogenetic location: 8q24.22.
Variant type: single nucleotide variant.
Coding change: c.*7130C>T on transcript NM_004519.4 (MANE Select); 7130 bases downstream of the stop codon, C replaced by T.
Molecular consequence: 3 prime UTR variant.
Genome position (GRCh38, 1-based): chr8:132,122,132, G>A on the plus strand (C>T on the coding strand, the complement: KCNQ3 is on the minus strand). VCF-style: chr8-132122132-G-A. GRCh37 (hg19) VCF-style: chr8-133134379-G-A.
Other names: c.*7130C>T (NM_001204824.2).
Identifiers: ClinVar variation 908487 (VCV000908487.4), dbSNP rs546278208, ClinGen allele CA185426006.
Genomic context (GRCh38, chr8:132,122,132, plus strand): 5'-GGAGCTAGGGCCTGATTTGAGAGGAAGAAGGGGGAGAGAGAATGAGCTTTCCAGGTACAC[G>A]GGCTTTGGTTGAATATGCAGCTCTACTTCTTACAATGTGTGACCTTTGACAAGGTCTTGT-3'

ClinVar aggregate classification (germline): Benign (1 of 4 stars; one submission).

Conditions:
Seizures, benign familial neonatal, 2. Also called: Benign Neonatal Epilepsy 2; CONVULSIONS, BENIGN FAMILIAL NEONATAL, 2; KCNQ3-Related Benign Familial Neonatal Epilepsy; KCNQ3-Related Self-Limited Familial Neonatal Epilepsy (SLFNE); Seizures, benign neonatal, 2. Identifiers: Orphanet 1949, MedGen C1852581, MONDO:0007366, OMIM 121201.

Allele frequency attached by ClinVar (database versions not stated): gnomAD 0.00006 and 0.00009; 1000 Genomes Project 30x 0.00047; TOPMed 0.00007; 1000 Genomes Project 0.00040.
gnomAD v4.1: 13 of 152,332 alleles (0.0085%); highest among the groups gnomAD compares: South Asian, 0.1%; no homozygotes.

Submission:

Illumina Laboratory Services, Illumina
Classification: Benign for Seizures, benign familial neonatal, 2. Last evaluated: 2018-01-12. Review status: criteria provided, single submitter. Criteria: ICSL Variant Classification Criteria 13 December 2019. Collection method: clinical testing. Allele origin: germline.
Comment: This variant was observed in the ICSL laboratory as part of a predisposition screen in an ostensibly healthy population. It had not been previously curated by ICSL or reported in the Human Gene Mutation Database (HGMD: prior to June 1st, 2018), and was therefore a candidate for classification through an automated scoring system. Utilizing variant allele frequency, disease prevalence and penetrance estimates, and inheritance mode, an automated score was calculated to assess if this variant is too frequent to cause the disease. Based on the score and internal cut-off values, a variant classified as benign is not then subjected to further curation. The score for this variant resulted in a classification of benign for this disease.